The following is an entry in ClinVar:

NM_172107.4(KCNQ2):c.1302-22_1302-15dup

Gene: KCNQ2 (potassium voltage-gated channel subfamily Q member 2; minus strand). Cytogenetic location: 20q13.33.
Variant type: Duplication.
Coding change: c.1302-22_1302-15dup on transcript NM_172107.4 (MANE Select); 22 bases into the intron before coding-DNA position 1302 through 15 bases into the intron before coding-DNA position 1302, 8 bases duplicated (CTGTCGGT; older notation c.1302-22_1302-15dupCTGTCGGT).
Molecular consequence: intron variant.
Genome position (GRCh38, 1-based): chr20:63,415,141-63,415,148, ACCGACAG duplicated on the plus strand (CTGTCGGT on the coding strand, the reverse complement: KCNQ2 is on the minus strand); duplicating any 8 consecutive bases within chr20:63,415,141-63,415,150 gives the same sequence; the c. name uses the placement nearest the transcript's 3' end. VCF-style (leftmost placement, unchanged base first): chr20-63415140-A-AACCGACAG. GRCh37 (hg19) VCF-style: chr20-62046493-A-AACCGACAG.
Other names: c.1218-22_1218-15dup (NM_004518.6); c.1248-58_1248-51dup (NM_172108.5); c.1248-22_1248-15dup (NM_172106.3, NM_001382235.1).
Identifiers: ClinVar variation 3256831 (VCV003256831.2).

ClinVar aggregate classification (germline): Benign (1 of 4 stars; one submission).

Submission:

Unidad de Genómica Garrahan, Hospital de Pediatría Garrahan
Classification: Benign. Last evaluated: 2024-07-31. Review status: criteria provided, single submitter. Criteria: ACMG Guidelines, 2015. Collection method: clinical testing. Allele origin: germline. Affected: no. Observed: 22 variant alleles.
Comment: This variant is classified as Benign based on local population frequency. This variant was detected in 24% of patients studied in a panel designed for Epileptic and Developmental Encephalopathy, Progressive Myoclonus Epilepsy and Abnormal Movements and Neurodegeneration with brain iron accumulation. Number of patients: 22. Only high quality variants are reported.